The following is an entry in ClinVar:

NM_001165963.4(SCN1A):c.1049T>C (p.Met350Thr)

Gene: SCN1A (sodium voltage-gated channel alpha subunit 1; minus strand). Cytogenetic location: 2q24.3.
Variant type: single nucleotide variant.
Coding change: c.1049T>C on transcript NM_001165963.4 (MANE Select); coding-DNA position 1049, T replaced by C.
Protein change: p.Met350Thr; replaces methionine 350 with threonine.
Molecular consequence: missense variant. On other transcripts: 5 prime UTR variant (1), non-coding transcript variant (1).
Genome position (GRCh38, 1-based): chr2:166,047,748, A>G on the plus strand (T>C on the coding strand, the complement: SCN1A is on the minus strand). VCF-style: chr2-166047748-A-G. GRCh37 (hg19) VCF-style: chr2-166904258-A-G.
Other names: c.1049T>C, p.Met350Thr (NM_001165964.3, NM_001202435.3, NM_001353948.2 and 10 more transcripts); c.-1377T>C (NM_001353961.2); short protein forms M350T.
Identifiers: ClinVar variation 944531 (VCV000944531.11), dbSNP rs1283627130, ClinGen allele CA349071412.

ClinVar aggregate classification (germline): Uncertain significance. Review status: criteria provided, multiple submitters, no conflicts (2 of 4 stars). 2 submissions from 2 submitters: Uncertain significance (2). Last evaluated 2025-06-28.

Conditions:
Early-infantile DEE. Also called: Early infantile epileptic encephalopathy with suppression bursts; Early infantile epileptic encephalopathy; Ohtahara syndrome. Identifiers: Orphanet 1934, MedGen C0393706, MONDO:0800491.

Allele frequency attached by ClinVar (database versions not stated): gnomAD exomes 0.00001; TOPMed 0.00004.
gnomAD v4.1: 6 of 1,613,592 alleles (0.00037%); highest among the groups gnomAD compares: East Asian, 0.0089%; no homozygotes.

Submissions (2):

GeneDx
Classification: Uncertain significance. Last evaluated: 2025-06-28. Review status: criteria provided, single submitter. Criteria: GeneDx Variant Classification Process June 2021. Collection method: clinical testing. Allele origin: germline. Affected: yes.
Comment: Has not been previously published as pathogenic or benign to our knowledge; In silico analysis suggests that this missense variant does not alter protein structure/function; This substitution is predicted to be within the extracellular loop between the S5 and S6 transmembrane segments of the first homologous domain

Labcorp Genetics (formerly Invitae), Labcorp
Classification: Uncertain significance for Early-infantile DEE. Last evaluated: 2025-04-23. Review status: criteria provided, single submitter. Criteria: Invitae Variant Classification Sherloc (09022015). Collection method: clinical testing. Allele origin: germline.
Comment: This sequence change replaces methionine, which is neutral and non-polar, with threonine, which is neutral and polar, at codon 350 of the SCN1A protein (p.Met350Thr). This variant is present in population databases (no rsID available, gnomAD 0.01%). This variant has not been reported in the literature in individuals affected with SCN1A-related conditions. ClinVar contains an entry for this variant (Variation ID: 944531). Invitae Evidence Modeling of protein sequence and biophysical properties (such as structural, functional, and spatial information, amino acid conservation, physicochemical variation, residue mobility, and thermodynamic stability) indicates that this missense variant is not expected to disrupt SCN1A protein function with a negative predictive value of 95%. In summary, the available evidence is currently insufficient to determine the role of this variant in disease. Therefore, it has been classified as a Variant of Uncertain Significance.